The following is an entry in ClinVar:

ClinVar aggregate classification (germline): Likely benign (0 of 4 stars; one submission).

Conditions:
TENM1-related disorder. Also called: TENM1-related condition.

Allele frequency attached by ClinVar (database versions not stated): gnomAD 0.00007; ESP Exome Variant Server 0.00009; TOPMed 0.00023; ExAC 0.00053.
gnomAD v4.1: 114 of 1,209,694 alleles (0.0094%); highest among the groups gnomAD compares: Admixed American, 0.24%; no homozygotes.

Submission:

PreventionGenetics, part of Exact Sciences
Classification: Likely benign for TENM1-related condition. Last evaluated: 2020-02-03. Review status: no assertion criteria provided. Collection method: clinical testing. Allele origin: germline.
Comment: This variant is classified as likely benign based on ACMG/AMP sequence variant interpretation guidelines (Richards et al. 2015 PMID: 25741868, with internal and published modifications).

NM_001163278.2(TENM1):c.703C>T (p.Pro235Ser)

Gene: TENM1 (teneurin transmembrane protein 1; minus strand). Cytogenetic location: Xq25.
Variant type: single nucleotide variant.
Coding change: c.703C>T on transcript NM_001163278.2 (MANE Select); coding-DNA position 703, C replaced by T.
Protein change: p.Pro235Ser; replaces proline 235 with serine.
Molecular consequence: missense variant.
Genome position (GRCh38, 1-based): chrX:124,737,030, G>A on the plus strand (C>T on the coding strand, the complement: TENM1 is on the minus strand). VCF-style: chrX-124737030-G-A. GRCh37 (hg19) VCF-style: chrX-123870880-G-A.
Other names: c.703C>T, p.Pro235Ser (NM_001163279.1, NM_014253.3); short protein forms P235S.
Identifiers: ClinVar variation 3052258 (VCV003052258.2), dbSNP rs374386547, ClinGen allele CA10510417.